The following is an entry in ClinVar:

NM_013275.6(ANKRD11):c.1124_1128del (p.Thr375fs)

Gene: ANKRD11 (ankyrin repeat domain containing 11; minus strand). Cytogenetic location: 16q24.3.
Variant type: Deletion.
Coding change: c.1124_1128del on transcript NM_013275.6 (MANE Select); coding-DNA positions 1124 to 1128, 5 bases deleted (CGAAA; older notation c.1124_1128delCGAAA).
Protein change: p.Thr375fs; shifts the reading frame from threonine 375.
Molecular consequence: frameshift variant.
Genome position (GRCh38, 1-based): chr16:89,285,414-89,285,418, TTTCG deleted on the plus strand (CGAAA on the coding strand, the reverse complement: ANKRD11 is on the minus strand); deleting any 5 consecutive bases within chr16:89,285,414-89,285,422 gives the same sequence; the c. name uses the placement nearest the transcript's 3' end. VCF-style (leftmost placement, unchanged base first): chr16-89285413-ATTTCG-A. GRCh37 (hg19) VCF-style: chr16-89351821-ATTTCG-A.
Other names: c.1124_1128del, p.Thr375fs (NM_001256182.2, NM_001256183.2); short protein forms T375fs.
Identifiers: ClinVar variation 503970 (VCV000503970.2), dbSNP rs1555529864, ClinGen allele CA658798670.

ClinVar aggregate classification (germline): Pathogenic (1 of 4 stars; one submission).

Submission:

GeneDx
Classification: Pathogenic. Last evaluated: 2017-12-15. Review status: criteria provided, single submitter. Criteria: GeneDx Variant Classification (06012015). Collection method: clinical testing. Allele origin: germline. Affected: yes.
Comment: The c.1124_1128delCGAAA variant in the ANKRD11 gene has not been reported previously as a pathogenic variant nor as a benign variant, to our knowledge. The c.1124_1128delCGAAA variant causes a frameshift starting with codon Threonine 375, changes this amino acid to an Isoleucine residue, and creates a premature Stop codon at position 3 of the new reading frame, denoted p.Thr375IlefsX3. This variant is predicted to cause loss of normal protein function either through protein truncation or nonsense-mediated mRNA decay. The c.1124_1128delCGAAA variant is not observed in large population cohorts (Lek et al., 2016). We interpret c.1124_1128delCGAAA as a pathogenic variant.